The following is an entry in ClinVar:

NM_004183.4(BEST1):c.50T>C (p.Phe17Ser)

Gene: BEST1 (bestrophin 1; plus strand). Cytogenetic location: 11q12.3.
Variant type: single nucleotide variant.
Coding change: c.50T>C on transcript NM_004183.4 (MANE Select); coding-DNA position 50, T replaced by C.
Protein change: p.Phe17Ser; replaces phenylalanine 17 with serine.
Molecular consequence: missense variant. On other transcripts: non-coding transcript variant (1), intron variant (6).
Genome position (GRCh38, 1-based): chr11:61,951,856, T>C. VCF-style: chr11-61951856-T-C. GRCh37 (hg19) VCF-style: chr11-61719328-T-C.
Other names: c.50T>C, p.Phe17Ser (NM_001363592.2, NM_001440571.1, NM_001440572.1 and 1 more transcripts); c.-29+1429T>C (NM_001139443.3, NM_001300787.2, NM_001440574.1 and 3 more transcripts); short protein forms F17S.
Identifiers: ClinVar variation 3721038 (VCV003721038.3).

ClinVar aggregate classification (germline): Pathogenic/Likely pathogenic. Review status: criteria provided, multiple submitters, no conflicts (2 of 4 stars). 2 submissions from 2 submitters: Pathogenic (1); Likely pathogenic (1). Last evaluated 2024-08-16.

Conditions:
BEST1-related disorder. Also called: BEST1-related disorders; BEST1-related condition. Identifiers: MedGen CN239200.

Submissions (2):

Labcorp Genetics (formerly Invitae), Labcorp
Classification: Pathogenic. Last evaluated: 2024-08-16. Review status: criteria provided, single submitter. Criteria: Invitae Variant Classification Sherloc (09022015). Collection method: clinical testing. Allele origin: germline.
Comment: This sequence change replaces phenylalanine, which is neutral and non-polar, with serine, which is neutral and polar, at codon 17 of the BEST1 protein (p.Phe17Ser). This variant is not present in population databases (gnomAD no frequency). This missense change has been observed in individuals with autosomal dominant Best vitelliform macular dystrophy (PMID: 21273940, 35973442). Invitae Evidence Modeling of protein sequence and biophysical properties (such as structural, functional, and spatial information, amino acid conservation, physicochemical variation, residue mobility, and thermodynamic stability) indicates that this missense variant is expected to disrupt BEST1 protein function with a positive predictive value of 95%. This variant disrupts the p.Phe17 amino acid residue in BEST1. Other variant(s) that disrupt this residue have been determined to be pathogenic (Invitae). This suggests that this residue is clinically significant, and that variants that disrupt this residue are likely to be disease-causing. For these reasons, this variant has been classified as Pathogenic.

Blueprint Genetics
Classification: Likely pathogenic for BEST1-related disorders. Last evaluated: 2024-04-17. Review status: criteria provided, single submitter. Criteria: ACMG Guidelines, 2015. Collection method: clinical testing. Allele origin: germline. Affected: yes. Observed: 2 variant alleles.

Literature cited by the submitters: PubMed 21273940 (cited by Labcorp Genetics (formerly Invitae), Labcorp); PubMed 35973442 (cited by Labcorp Genetics (formerly Invitae), Labcorp).